The following is an entry in ClinVar:

ClinVar aggregate classification (germline): Uncertain significance (1 of 4 stars; one submission).

Submission:

GeneDx
Classification: Uncertain significance. Last evaluated: 2025-08-05. Review status: criteria provided, single submitter. Criteria: GeneDx Variant Classification Process June 2021. Collection method: clinical testing. Allele origin: germline. Affected: yes.
Comment: Not observed at significant frequency in large population cohorts (gnomAD); In silico analysis suggests that this missense variant does not alter protein structure/function; Has not been previously published as pathogenic or benign to our knowledge

NM_006372.5(SYNCRIP):c.1444G>A (p.Glu482Lys)

Gene: SYNCRIP (synaptotagmin binding cytoplasmic RNA interacting protein; minus strand). Cytogenetic location: 6q14.3.
Variant type: single nucleotide variant.
Coding change: c.1444G>A on transcript NM_006372.5 (MANE Select); coding-DNA position 1444, G replaced by A.
Protein change: p.Glu482Lys; replaces glutamic acid 482 with lysine.
Molecular consequence: missense variant.
Genome position (GRCh38, 1-based): chr6:85,615,184, C>T on the plus strand (G>A on the coding strand, the complement: SYNCRIP is on the minus strand). VCF-style: chr6-85615184-C-T. GRCh37 (hg19) VCF-style: chr6-86324902-C-T.
Other names: c.1150G>A, p.Glu384Lys (NM_001159673.2, NM_001410938.1, NM_001439159.1); c.1339G>A, p.Glu447Lys (NM_001159674.2, NM_001159675.2); c.1444G>A, p.Glu482Lys (NM_001159676.2, NM_001159677.2, NM_001439158.1 and 3 more transcripts); c.988G>A, p.Glu330Lys (NM_001253771.2); short protein forms E330K, E384K, E447K, E482K.
Identifiers: ClinVar variation 4755967 (VCV004755967.1).